The following is an entry in ClinVar:

NM_015559.3(SETBP1):c.2303T>C (p.Leu768Pro)

Gene: SETBP1 (SET binding protein 1; plus strand). Cytogenetic location: 18q12.3.
Variant type: single nucleotide variant.
Coding change: c.2303T>C on transcript NM_015559.3 (MANE Select); coding-DNA position 2303, T replaced by C.
Protein change: p.Leu768Pro; replaces leucine 768 with proline.
Molecular consequence: missense variant.
Genome position (GRCh38, 1-based): chr18:44,951,643, T>C. VCF-style: chr18-44951643-T-C. GRCh37 (hg19) VCF-style: chr18-42531608-T-C.
Other names: c.2303T>C, p.Leu768Pro (NM_001379141.1, NM_001379142.1, NM_001410862.1); short protein forms L768P.
Identifiers: ClinVar variation 3649781 (VCV003649781.2).

ClinVar aggregate classification (germline): Uncertain significance (1 of 4 stars; one submission).

Submission:

Labcorp Genetics (formerly Invitae), Labcorp
Classification: Uncertain significance. Last evaluated: 2024-12-24. Review status: criteria provided, single submitter. Criteria: Invitae Variant Classification Sherloc (09022015). Collection method: clinical testing. Allele origin: germline.
Comment: This sequence change replaces leucine, which is neutral and non-polar, with proline, which is neutral and non-polar, at codon 768 of the SETBP1 protein (p.Leu768Pro). This variant is not present in population databases (gnomAD no frequency). This variant has not been reported in the literature in individuals affected with SETBP1-related conditions. Invitae Evidence Modeling of protein sequence and biophysical properties (such as structural, functional, and spatial information, amino acid conservation, physicochemical variation, residue mobility, and thermodynamic stability) indicates that this missense variant is not expected to disrupt SETBP1 protein function with a negative predictive value of 80%. In summary, the available evidence is currently insufficient to determine the role of this variant in disease. Therefore, it has been classified as a Variant of Uncertain Significance.